The following is an entry in ClinVar:

ClinVar aggregate classification (germline): Conflicting classifications of pathogenicity. Review status: criteria provided, conflicting classifications (1 of 4 stars). 2 submissions from 2 submitters: Uncertain significance (1); Likely benign (1). Last evaluated 2026-01-27.

Conditions:
Melnick-Fraser syndrome (BOR). Also called: Branchiootorenal syndrome; Branchiootorenal Syndrome (BORS); Branchio-oto-renal syndrome. Identifiers: Orphanet 107, MedGen C0265234, MONDO:0007029.

Allele frequency attached by ClinVar (database versions not stated): gnomAD exomes below 0.00001.
gnomAD v4.1: 1 of 1,614,148 alleles (0.000062%); highest among the groups gnomAD compares: African/African-American, 0.0013%; no homozygotes.

Submissions (2):

GeneDx
Classification: Uncertain significance. Last evaluated: 2026-01-27. Review status: criteria provided, single submitter. Criteria: GeneDx Variant Classification Process June 2021. Collection method: clinical testing. Allele origin: germline. Affected: yes.
Comment: Not observed at significant frequency in large population cohorts (gnomAD); In silico analysis suggests that this variant does not alter splicing; Has not been previously published as pathogenic or benign to our knowledge

Labcorp Genetics (formerly Invitae), Labcorp
Classification: Likely benign for Melnick-Fraser syndrome. Last evaluated: 2025-06-12. Review status: criteria provided, single submitter. Criteria: Invitae Variant Classification Sherloc (09022015). Collection method: clinical testing. Allele origin: germline.

NM_000503.6(EYA1):c.684G>A (p.Gln228=)

Gene: EYA1 (EYA transcriptional coactivator and phosphatase 1; minus strand). Cytogenetic location: 8q13.3.
Variant type: single nucleotide variant.
Coding change: c.684G>A on transcript NM_000503.6 (MANE Select); coding-DNA position 684, G replaced by A.
Protein change: p.Gln228=; no amino-acid change (glutamine 228 retained).
Molecular consequence: synonymous variant.
Genome position (GRCh38, 1-based): chr8:71,299,189, C>T on the plus strand (G>A on the coding strand, the complement: EYA1 is on the minus strand). VCF-style: chr8-71299189-C-T. GRCh37 (hg19) VCF-style: chr8-72211424-C-T.
Other names: c.666G>A, p.Gln222= (NM_001288574.2); c.318G>A, p.Gln106= (NM_001288575.2); c.771G>A, p.Gln257= (NM_001370333.1); c.684G>A, p.Gln228= (NM_001370334.1, NM_001370335.1, NM_172058.4); c.753G>A, p.Gln251= (NM_001370336.1); c.585G>A, p.Gln195= (NM_001411797.1, NM_172060.4); c.756G>A, p.Gln252= (NM_172059.5).
Identifiers: ClinVar variation 1806804 (VCV001806804.5), dbSNP rs1819924865, ClinGen allele CA461327896.